The following is an entry in ClinVar:

ClinVar aggregate classification (germline): Uncertain significance (1 of 4 stars; one submission).

Conditions:
Arrhythmogenic right ventricular dysplasia 12. Also called: ARRHYTHMOGENIC RIGHT VENTRICULAR DYSPLASIA, FAMILIAL, 12. Identifiers: MedGen C1969081, MONDO:0012684, OMIM 611528.
Naxos disease (NXD). Also called: PALMOPLANTAR KERATODERMA WITH ARRHYTHMOGENIC RIGHT VENTRICULAR CARDIOMYOPATHY AND WOOLLY HAIR; WOOLLY HAIR, PALMOPLANTAR KERATODERMA, AND CARDIAC ABNORMALITIES; CARDIOMYOPATHY, ARRHYTHMOGENIC RIGHT VENTRICULAR, WITH SKIN, HAIR, AND NAIL ABNORMALITIES; KERATOSIS PALMOPLANTARIS WITH ARRHYTHMOGENIC CARDIOMYOPATHY; MAL DE NAXOS. Identifiers: Orphanet 34217, MedGen C1832600, MONDO:0011017, OMIM 601214.

Allele frequency attached by ClinVar (database versions not stated): gnomAD exomes below 0.00001; ExAC 0.00001.
gnomAD v4.1: 4 of 1,613,606 alleles (0.00025%); highest among the groups gnomAD compares: South Asian, 0.0011%; no homozygotes.

Submission:

Labcorp Genetics (formerly Invitae), Labcorp
Classification: Uncertain significance for Arrhythmogenic right ventricular dysplasia 12; Naxos disease. Last evaluated: 2022-10-30. Review status: criteria provided, single submitter. Criteria: Invitae Variant Classification Sherloc (09022015). Collection method: clinical testing. Allele origin: germline.
Comment: In summary, the available evidence is currently insufficient to determine the role of this variant in disease. Therefore, it has been classified as a Variant of Uncertain Significance. Algorithms developed to predict the effect of missense changes on protein structure and function are either unavailable or do not agree on the potential impact of this missense change (SIFT: "Deleterious"; PolyPhen-2: "Probably Damaging"; Align-GVGD: "Class C0"). ClinVar contains an entry for this variant (Variation ID: 1508625). This variant has not been reported in the literature in individuals affected with JUP-related conditions. This variant is present in population databases (rs782067441, gnomAD 0.0009%). This sequence change replaces arginine, which is basic and polar, with histidine, which is basic and polar, at codon 367 of the JUP protein (p.Arg367His).

NM_002230.4(JUP):c.1100G>A (p.Arg367His)

Gene: JUP (junction plakoglobin; minus strand). Cytogenetic location: 17q21.2.
Variant type: single nucleotide variant.
Coding change: c.1100G>A on transcript NM_002230.4 (MANE Select); coding-DNA position 1100, G replaced by A.
Protein change: p.Arg367His; replaces arginine 367 with histidine.
Molecular consequence: missense variant.
Genome position (GRCh38, 1-based): chr17:41,764,771, C>T on the plus strand (G>A on the coding strand, the complement: JUP is on the minus strand). VCF-style: chr17-41764771-C-T. GRCh37 (hg19) VCF-style: chr17-39921023-C-T.
Other names: c.1100G>A, p.Arg367His (NM_001352773.2, NM_001352774.2, NM_001352775.2 and 3 more transcripts); short protein forms R367H.
Identifiers: ClinVar variation 1508625 (VCV001508625.8), dbSNP rs782067441, ClinGen allele CA8565285.
Genomic context (GRCh38, chr17:41,764,771, plus strand): 5'-ACCTGCTTGGTGGCCACATCTGAGAGGTTGCGCAGGGTCCACAGGCAGTTCTGCACCAGG[C>T]GGGGGCTGTTGCTGGTCAGGTGCTTGCCCAGGGCCTGCATCCCACCTGGGGCAGGGATAG-3'
Protein context (NP_002221.1, residues 357-377): LGKHLTSNSP[Arg367His]LVQNCLWTLR